The following is an entry in ClinVar:

ClinVar aggregate classification (germline): Benign. Review status: criteria provided, multiple submitters, no conflicts (2 of 4 stars). 8 submissions from 8 submitters: Benign (6). 2 of the submissions do not count toward it. Last evaluated 2026-02-03.

Conditions:
Spinocerebellar ataxia type 5 (SCA5). Identifiers: Orphanet 98766, MedGen C0752123, MONDO:0010848, OMIM 600224.

Allele frequency attached by ClinVar (database versions not stated): gnomAD exomes 0.10129 and 0.12701; ExAC 0.13352; ESP Exome Variant Server 0.14943; gnomAD 0.15818 and 0.15920; TOPMed 0.15887; 1000 Genomes Project 0.20567; 1000 Genomes Project 30x 0.20675.
gnomAD v4.1: 172,192 of 1,607,566 alleles (11%); highest among the groups gnomAD compares: African/African-American, 28%; 11,348 homozygotes.

Submissions (8):

Labcorp Genetics (formerly Invitae), Labcorp
Classification: Benign. Last evaluated: 2026-02-03. Review status: criteria provided, single submitter. Criteria: Invitae Variant Classification Sherloc (09022015). Collection method: clinical testing. Allele origin: germline.

GeneDx
Classification: Benign. Last evaluated: 2018-10-24. Review status: criteria provided, single submitter. Criteria: GeneDx Variant Classification Process June 2021. Collection method: clinical testing. Allele origin: germline. Affected: yes.

Mayo Clinic Laboratories, Mayo Clinic
Classification: Benign. Last evaluated: 2017-07-12. Review status: criteria provided, single submitter. Criteria: ACMG Guidelines, 2015. Collection method: clinical testing. Allele origin: germline. Observed: 85 variant alleles.

Athena Diagnostics
Classification: Benign. Last evaluated: 2017-04-14. Review status: criteria provided, single submitter. Criteria: Athena Diagnostics Criteria. Collection method: clinical testing. Allele origin: unknown.

Clinical Genetics DNA and cytogenetics Diagnostics Lab, Erasmus MC, Erasmus Medical Center
Classification: Benign for Spinocerebellar ataxia type 5. Last evaluated: 2015-09-21. Review status: criteria provided, single submitter. Criteria: ACGS Guidelines, 2013. Collection method: clinical testing. Allele origin: germline. Affected: yes. Study: VKGL Data-share Consensus.

Breakthrough Genomics
Classification: Benign. Review status: criteria provided, single submitter. Criteria: ACMG Guidelines, 2015. Collection method: not provided. Allele origin: germline. Inheritance: Autosomal recessive inheritance. Affected: yes.

Diagnostic Laboratory, Department of Genetics, University Medical Center Groningen
Classification: Benign for Spinocerebellar ataxia type 5. Review status: no assertion criteria provided. Collection method: clinical testing. Allele origin: germline. Affected: yes. Study: VKGL Data-share Consensus. Not counted in ClinVar's aggregate classification.

Genetic Services Laboratory, University of Chicago
Classification: Likely benign for AllHighlyPenetrant. Review status: no assertion criteria provided. Collection method: clinical testing. Allele origin: germline. Inheritance: Autosomal dominant inheritance. Not counted in ClinVar's aggregate classification.
Comment: Likely benign based on allele frequency in 1000 Genomes Project or ESP global frequency and its presence in a patient with a rare or unrelated disease phenotype. NOT Sanger confirmed.

NM_006946.4(SPTBN2):c.3101T>C (p.Val1034Ala)

Gene: SPTBN2 (spectrin beta, non-erythrocytic 2; minus strand). Cytogenetic location: 11q13.2.
Variant type: single nucleotide variant.
Coding change: c.3101T>C on transcript NM_006946.4 (MANE Select); coding-DNA position 3101, T replaced by C.
Protein change: p.Val1034Ala; replaces valine 1034 with alanine.
Molecular consequence: missense variant.
Genome position (GRCh38, 1-based): chr11:66,700,998, A>G on the plus strand (T>C on the coding strand, the complement: SPTBN2 is on the minus strand). VCF-style: chr11-66700998-A-G. GRCh37 (hg19) VCF-style: chr11-66468469-A-G.
Other names: short protein forms V1034A.
Identifiers: ClinVar variation 130371 (VCV000130371.21), dbSNP rs506028, ClinGen allele CA155291.
Genomic context (GRCh38, chr11:66,700,998, plus strand): 5'-ATGGTGGCCCTGAGGTCCTCCCAGCCGGTCTGCACCTCTCTCAGCCGGGCGTTGATGGCC[A>G]CTGCCTGAGCGGGATGGCCGGCAGCCAGGGCATTTGCCTCTCGAGTCAGTTCGCCCACCC-3'
Protein context (NP_008877.2, residues 1024-1044): ALAAGHPAQA[Val1034Ala]AINARLREVQ